The following is an entry in ClinVar:

NM_001378778.1(MPDZ):c.4774C>G (p.Gln1592Glu)

Gene: MPDZ (multiple PDZ domain crumbs cell polarity complex component; minus strand). Cytogenetic location: 9p23.
Variant type: single nucleotide variant.
Coding change: c.4774C>G on transcript NM_001378778.1 (MANE Select); coding-DNA position 4774, C replaced by G.
Protein change: p.Gln1592Glu; replaces glutamine 1592 with glutamic acid.
Molecular consequence: missense variant.
Genome position (GRCh38, 1-based): chr9:13,125,249, G>C on the plus strand (C>G on the coding strand, the complement: MPDZ is on the minus strand). VCF-style: chr9-13125249-G-C. GRCh37 (hg19) VCF-style: chr9-13125248-G-C.
Other names: c.4675C>G, p.Gln1559Glu (NM_001261406.2, NM_001261407.2, NM_001375416.1 and 3 more transcripts); c.4774C>G, p.Gln1592Glu (NM_001330637.2, NM_003829.5); c.4873C>G, p.Gln1625Glu (NM_001375413.1); c.4564C>G, p.Gln1522Glu (NM_001375420.1, NM_001375421.1, NM_001375422.1 and 4 more transcripts); c.4366C>G, p.Gln1456Glu (NM_001375427.1); short protein forms Q1456E, Q1522E, Q1559E, Q1592E, Q1625E.
Identifiers: ClinVar variation 3617908 (VCV003617908.1).
Genomic context (GRCh38, chr9:13,125,249, plus strand): 5'-GGACTCTCATGAGTCCAGAGGCCTTACTTCGGATGGACTCCGGTTCTGGGGAGCCAGACT[G>C]TGGGACCATCAGAGACTGGGAGCTGTTCTTTTTTTCTCCACTGGCTGCACCAGCTGCTGA-3'
Protein context (NP_001365707.1, residues 1582-1602): KNSSQSLMVP[Gln1592Glu]SGSPEPESIR

ClinVar aggregate classification (germline): Uncertain significance (1 of 4 stars; one submission).

gnomAD v4.1: 3 of 1,610,904 alleles (0.00019%); highest among the groups gnomAD compares: Non-Finnish European, 0.00025%; no homozygotes.

Submission:

Labcorp Genetics (formerly Invitae), Labcorp
Classification: Uncertain significance. Last evaluated: 2024-07-27. Review status: criteria provided, single submitter. Criteria: Invitae Variant Classification Sherloc (09022015). Collection method: clinical testing. Allele origin: germline.
Comment: This sequence change replaces glutamine, which is neutral and polar, with glutamic acid, which is acidic and polar, at codon 1592 of the MPDZ protein (p.Gln1592Glu). This variant is not present in population databases (gnomAD no frequency). This variant has not been reported in the literature in individuals affected with MPDZ-related conditions. An algorithm developed to predict the effect of missense changes on protein structure and function (PolyPhen-2) suggests that this variant¬†is likely to be tolerated. In summary, the available evidence is currently insufficient to determine the role of this variant in disease. Therefore, it has been classified as a Variant of Uncertain Significance.